The following is an entry in ClinVar:

NM_001918.5(DBT):c.*5150A>G

Gene: DBT (dihydrolipoamide branched chain transacylase E2; minus strand). Cytogenetic location: 1p21.2.
Variant type: single nucleotide variant.
Coding change: c.*5150A>G on transcript NM_001918.5 (MANE Select); 5150 bases downstream of the stop codon, A replaced by G.
Molecular consequence: 3 prime UTR variant.
Genome position (GRCh38, 1-based): chr1:100,191,105, T>C on the plus strand (A>G on the coding strand, the complement: DBT is on the minus strand). VCF-style: chr1-100191105-T-C. GRCh37 (hg19) VCF-style: chr1-100656661-T-C.
Identifiers: ClinVar variation 291407 (VCV000291407.10), dbSNP rs6701655, ClinGen allele CA10607122.

ClinVar aggregate classification (germline): Benign. Review status: criteria provided, multiple submitters, no conflicts (2 of 4 stars). 4 submissions from 4 submitters: Benign (4). Last evaluated 2023-04-11.

Conditions:
Maple syrup urine disease (MSUD). Identifiers: Orphanet 511, MedGen C0024776, MeSH D008375, MONDO:0009563. Disease mechanism: loss of function.

Allele frequency attached by ClinVar (database versions not stated): TOPMed 0.74480; gnomAD 0.74788 and 0.75793; 1000 Genomes Project 30x 0.76031; 1000 Genomes Project 0.76957.

Submissions (4):

Genome-Nilou Lab
Classification: Benign for Maple syrup urine disease type 1A. Last evaluated: 2023-04-11. Review status: criteria provided, single submitter. Criteria: ACMG Guidelines, 2015. Collection method: clinical testing. Allele origin: germline. Affected: no.

GeneDx
Classification: Benign. Last evaluated: 2018-06-29. Review status: criteria provided, single submitter. Criteria: GeneDx Variant Classification Process June 2021. Collection method: clinical testing. Allele origin: germline. Affected: yes.

Illumina Laboratory Services, Illumina
Classification: Benign for Maple syrup urine disease type 1A. Last evaluated: 2018-01-13. Review status: criteria provided, single submitter. Criteria: ICSL Variant Classification Criteria 13 December 2019. Collection method: clinical testing. Allele origin: germline.
Comment: This variant was observed in the ICSL laboratory as part of a predisposition screen in an ostensibly healthy population. It had not been previously curated by ICSL or reported in the Human Gene Mutation Database (HGMD: prior to June 1st, 2018), and was therefore a candidate for classification through an automated scoring system. Utilizing variant allele frequency, disease prevalence and penetrance estimates, and inheritance mode, an automated score was calculated to assess if this variant is too frequent to cause the disease. Based on the score and internal cut-off values, a variant classified as benign is not then subjected to further curation. The score for this variant resulted in a classification of benign for this disease.

Breakthrough Genomics
Classification: Benign. Review status: criteria provided, single submitter. Criteria: ACMG Guidelines, 2015. Collection method: not provided. Allele origin: germline. Inheritance: Autosomal recessive inheritance. Affected: yes.